The following is an entry in ClinVar:

NM_000548.5(TSC2):c.3943C>A (p.Pro1315Thr)

Gene: TSC2 (TSC complex subunit 2; plus strand). Cytogenetic location: 16p13.3.
Variant type: single nucleotide variant.
Coding change: c.3943C>A on transcript NM_000548.5 (MANE Select); coding-DNA position 3943, C replaced by A.
Protein change: p.Pro1315Thr; replaces proline 1315 with threonine.
Molecular consequence: missense variant.
Genome position (GRCh38, 1-based): chr16:2,083,754, C>A. VCF-style: chr16-2083754-C-A. GRCh37 (hg19) VCF-style: chr16-2133755-C-A.
Other names: c.3742C>A, p.Pro1248Thr (NM_001077183.3); c.3874C>A, p.Pro1292Thr (NM_001114382.3); c.3634C>A, p.Pro1212Thr (NM_001318827.2); c.3598C>A, p.Pro1200Thr (NM_001318829.2); c.3211C>A, p.Pro1071Thr (NM_001318831.2); c.3775C>A, p.Pro1259Thr (NM_001318832.2); c.3745C>A, p.Pro1249Thr (NM_001363528.2); c.3811C>A, p.Pro1271Thr (NM_001370404.1); and 1 more; short protein forms P1249T, P1271T, P1272T, P1212T, P1071T, P1248T, P1259T, P1292T.
Identifiers: ClinVar variation 824405 (VCV000824405.5), dbSNP rs397514916, ClinGen allele CA394297324.

ClinVar aggregate classification (germline): Uncertain significance (1 of 4 stars; one submission).

Conditions:
Hereditary cancer-predisposing syndrome. Also called: Neoplastic Syndromes, Hereditary; Tumor predisposition; Hereditary neoplastic syndrome; Hereditary Cancer Syndrome. Identifiers: Orphanet 140162, MedGen C0027672, MeSH D009386, MONDO:0015356.

Allele frequency attached by ClinVar (database versions not stated): gnomAD exomes below 0.00001.
gnomAD v4.1: 2 of 1,609,112 alleles (0.00012%); highest among the groups gnomAD compares: Non-Finnish European, 0.00017%; no homozygotes.

Submission:

Ambry Genetics
Classification: Uncertain significance for Hereditary cancer-predisposing syndrome. Last evaluated: 2025-03-03. Review status: criteria provided, single submitter. Criteria: Ambry Variant Classification Scheme 2023. Collection method: clinical testing. Allele origin: germline.
Comment: The p.P1315T variant (also known as c.3943C>A), located in coding exon 32 of the TSC2 gene, results from a C to A substitution at nucleotide position 3943. The proline at codon 1315 is replaced by threonine, an amino acid with highly similar properties. A different alteration at the same position (p.P1315S) has been reported in a sporadic case who is suspected of having tuberous sclerosis (Hoogeveen-Westerveld M et al. Hum. Mutat. 2013 Jan;34:167-75). This amino acid position is not well conserved in available vertebrate species. In addition, the in silico prediction for this alteration is inconclusive. Based on the available evidence, the clinical significance of this variant remains unclear.

Literature cited by the submitters: PubMed 22903760.